The following is an entry in ClinVar:

ClinVar aggregate classification (germline): Uncertain significance (1 of 4 stars; one submission).

Submission:

Labcorp Genetics (formerly Invitae), Labcorp
Classification: Uncertain significance. Last evaluated: 2023-12-16. Review status: criteria provided, single submitter. Criteria: Invitae Variant Classification Sherloc (09022015). Collection method: clinical testing. Allele origin: germline.
Comment: This sequence change replaces aspartic acid, which is acidic and polar, with tyrosine, which is neutral and polar, at codon 620 of the MSH3 protein (p.Asp620Tyr). This variant is not present in population databases (gnomAD no frequency). This variant has not been reported in the literature in individuals affected with MSH3-related conditions. ClinVar contains an entry for this variant (Variation ID: 1009119). An algorithm developed to predict the effect of missense changes on protein structure and function (PolyPhen-2) suggests that this variant is likely to be disruptive. In summary, the available evidence is currently insufficient to determine the role of this variant in disease. Therefore, it has been classified as a Variant of Uncertain Significance.

NM_002439.5(MSH3):c.1858G>T (p.Asp620Tyr)

Gene: MSH3 (mutS homolog 3; plus strand). Cytogenetic location: 5q14.1.
Variant type: single nucleotide variant.
Coding change: c.1858G>T on transcript NM_002439.5 (MANE Select); coding-DNA position 1858, G replaced by T.
Protein change: p.Asp620Tyr; replaces aspartic acid 620 with tyrosine.
Molecular consequence: missense variant.
Genome position (GRCh38, 1-based): chr5:80,761,640, G>T. VCF-style: chr5-80761640-G-T. GRCh37 (hg19) VCF-style: chr5-80057459-G-T.
Other names: short protein forms D620Y.
Identifiers: ClinVar variation 1009119 (VCV001009119.8), dbSNP rs200337887, ClinGen allele CA360276663.
Genomic context (GRCh38, chr5:80,761,640, plus strand): 5'-GTTCTCCATTCAGAATCTAGTGTGTTTGGTCAGATAGAAAATCATCTACGTAAATTGCCC[G>T]ACATAGAGAGGGGACTCTGTAGCATTTATCACAAAAAAGTAAGTGTGATAGAAATCTATT-3'
Protein context (NP_002430.3, residues 610-630): QIENHLRKLP[Asp620Tyr]IERGLCSIYH